The following is an entry in ClinVar:

NM_175914.5(HNF4A):c.426+140C>G

Gene: HNF4A (hepatocyte nuclear factor 4 alpha; plus strand). Cytogenetic location: 20q13.12.
Variant type: single nucleotide variant.
Coding change: c.426+140C>G on transcript NM_175914.5 (MANE Select); 140 bases into the intron after coding-DNA position 426, C replaced by G.
Molecular consequence: intron variant.
Genome position (GRCh38, 1-based): chr20:44,413,940, C>G. VCF-style: chr20-44413940-C-G. GRCh37 (hg19) VCF-style: chr20-43042580-C-G.
Other names: c.417+140C>G (NM_001287182.2, NM_001287183.2, NM_001287184.2); c.426+140C>G (NM_001030003.3, NM_001030004.3); c.471+140C>G (NM_001258355.2); c.492+140C>G (NM_178849.3, NM_000457.6, NM_178850.3).
Identifiers: ClinVar variation 676907 (VCV000676907.2), dbSNP rs11574738, ClinGen allele CA14798800.

ClinVar aggregate classification (germline): Benign. Review status: criteria provided, multiple submitters, no conflicts (2 of 4 stars). 2 submissions from 2 submitters: Benign (2). Last evaluated 2018-06-14.

Conditions:
Maturity-onset diabetes of the young (MODY). Also called: Maturity onset diabetes mellitus in young. Identifiers: Orphanet 552, MedGen C0342276, MONDO:0018911, HP:0004904.

Allele frequency attached by ClinVar (database versions not stated): gnomAD 0.18586 and 0.19031; 1000 Genomes Project 0.13738; 1000 Genomes Project 30x 0.14288; gnomAD exomes 0.17619; TOPMed 0.19194.
gnomAD v4.1: 124,556 of 697,464 alleles (18%); highest among the groups gnomAD compares: Non-Finnish European, 20%; 12,307 homozygotes.

Submissions (2):

GeneDx
Classification: Benign. Last evaluated: 2018-06-14. Review status: criteria provided, single submitter. Criteria: GeneDx Variant Classification (06012015). Collection method: clinical testing. Allele origin: germline. Affected: yes.
Comment: This variant is considered likely benign or benign based on one or more of the following criteria: it is a conservative change, it occurs at a poorly conserved position in the protein, it is predicted to be benign by multiple in silico algorithms, and/or has population frequency not consistent with disease.

Clinical Genomics, Uppaluri K&H Personalized Medicine Clinic
Classification: Benign for Maturity-onset diabetes of the young. Review status: criteria provided, single submitter. Criteria: K & H Uppaluri Personalized Medicine Clinic Variant Classification & Assertion Criteria_Updated V.1. Collection method: research. Allele origin: unknown. Inheritance: Autosomal dominant inheritance.
Comment: Potent mutations in HNF4A are associated with poor insulin secretion in response to hyperglycemia. Associated with MODY1. Patients initially respond well to sulfonylureas but eventually become insulin dependent. However, more evidence is required to ascertain the role of this particular variant rs11574738 in MODY, yet.

Literature cited by the submitters: DOI 10.1159/000334532 (cited by Clinical Genomics, Uppaluri K&H Personalized Medicine Clinic); PubMed 18268044 (cited by Clinical Genomics, Uppaluri K&H Personalized Medicine Clinic); PubMed 17563455 (cited by Clinical Genomics, Uppaluri K&H Personalized Medicine Clinic); PubMed 32583173 (cited by Clinical Genomics, Uppaluri K&H Personalized Medicine Clinic); PubMed 35052457 (cited by Clinical Genomics, Uppaluri K&H Personalized Medicine Clinic); PubMed 35118593 (cited by Clinical Genomics, Uppaluri K&H Personalized Medicine Clinic).